The following is an entry in ClinVar:

ClinVar aggregate classification (germline): Likely benign. Review status: criteria provided, multiple submitters, no conflicts (2 of 4 stars). 2 submissions from 2 submitters: Likely benign (2). Last evaluated 2018-06-14.

Allele frequency attached by ClinVar (database versions not stated): 1000 Genomes Project 30x 0.01498; TOPMed 0.01723.

Submissions (2):

GeneDx
Classification: Likely benign. Last evaluated: 2018-06-14. Review status: criteria provided, single submitter. Criteria: GeneDx Variant Classification (06012015). Collection method: clinical testing. Allele origin: germline. Affected: yes.
Comment: This variant is considered likely benign or benign based on one or more of the following criteria: it is a conservative change, it occurs at a poorly conserved position in the protein, it is predicted to be benign by multiple in silico algorithms, and/or has population frequency not consistent with disease.

Breakthrough Genomics
Classification: Likely benign. Review status: criteria provided, single submitter. Criteria: ACMG Guidelines, 2015. Collection method: not provided. Allele origin: germline. Inheritance: X-linked inheritance. Affected: yes.

NM_005765.2(ATP6AP2):c.-120G>C

Gene: ATP6AP2 (ATPase H+ transporting accessory protein 2; plus strand). Cytogenetic location: Xp11.4.
Variant type: single nucleotide variant.
Coding change: c.-120G>C on transcript NM_005765.2; 120 bases upstream of the start codon, G replaced by C.
Genome position (GRCh38, 1-based): chrX:40,580,946, G>C. VCF-style: chrX-40580946-G-C. GRCh37 (hg19) VCF-style: chrX-40440198-G-C.
Identifiers: ClinVar variation 670923 (VCV000670923.4), dbSNP rs186401295, ClinGen allele CA10387138.